The following is an entry in ClinVar:

NM_002528.7(NTHL1):c.374T>C (p.Leu125Pro)

Gene: NTHL1 (nth like DNA glycosylase 1; minus strand). Cytogenetic location: 16p13.3.
Variant type: single nucleotide variant.
Coding change: c.374T>C on transcript NM_002528.7 (MANE Select); coding-DNA position 374, T replaced by C.
Protein change: p.Leu125Pro; replaces leucine 125 with proline.
Molecular consequence: missense variant. On other transcripts: intron variant (1).
Genome position (GRCh38, 1-based): chr16:2,044,781, A>G on the plus strand (T>C on the coding strand, the complement: NTHL1 is on the minus strand). VCF-style: chr16-2044781-A-G. GRCh37 (hg19) VCF-style: chr16-2094782-A-G.
Other names: c.398T>C (NM_002528.5); c.44T>C, p.Leu15Pro (NM_001318194.2); c.355-1055T>C (NM_001318193.2); short protein forms L15P, L125P.
Identifiers: ClinVar variation 950935 (VCV000950935.11), dbSNP rs2084319723, ClinGen allele CA394294710.
Genomic context (GRCh38, chr16:2,044,781, plus strand): 5'-CGCTGCATGGCGCCCGCCGTCACCTGGTCTTTGGTTTGGCTGGAGAGCATCAGTGACAGC[A>G]GCACCTGGTACCTGCGTACCTGCTTGTGCAGTGACAGGGACCGGGGTGGCGGCGGGTCCT-3'
Protein context (NP_002519.2, residues 115-135): APPKVRRYQV[Leu125Pro]LSLMLSSQTK

ClinVar aggregate classification (germline): Uncertain significance. Review status: criteria provided, multiple submitters, no conflicts (2 of 4 stars). 3 submissions from 3 submitters: Uncertain significance (3). Last evaluated 2024-04-05.

Conditions:
Familial adenomatous polyposis 3. Also called: NTHL1-Related Adenomatous Polyposis and Colorectal Cancer; NTHL1 Tumor Syndrome; NTHL1-associated polyposis; NTHL1-related attenuated familial adenomatous polyposis. Identifiers: Orphanet 220460, Orphanet 454840, MedGen C4225157, MONDO:0014630, OMIM 616415.
Hereditary cancer-predisposing syndrome. Also called: Tumor predisposition; Hereditary Cancer Syndrome; Neoplastic Syndromes, Hereditary; Hereditary neoplastic syndrome. Identifiers: Orphanet 140162, MedGen C0027672, MeSH D009386, MONDO:0015356.

Submissions (3):

Ambry Genetics
Classification: Uncertain significance for Hereditary cancer-predisposing syndrome. Last evaluated: 2024-04-05. Review status: criteria provided, single submitter. Criteria: Ambry Variant Classification Scheme 2023. Collection method: clinical testing. Allele origin: germline.
Comment: The p.L133P variant (also known as c.398T>C), located in coding exon 3 of the NTHL1 gene, results from a T to C substitution at nucleotide position 398. The leucine at codon 133 is replaced by proline, an amino acid with similar properties. This amino acid position is conserved. In addition, this alteration is predicted to be deleterious by in silico analysis. Based on the available evidence, the clinical significance of this variant remains unclear.

Labcorp Genetics (formerly Invitae), Labcorp
Classification: Uncertain significance. Last evaluated: 2022-09-10. Review status: criteria provided, single submitter. Criteria: Invitae Variant Classification Sherloc (09022015). Collection method: clinical testing. Allele origin: germline.
Comment: In summary, the available evidence is currently insufficient to determine the role of this variant in disease. Therefore, it has been classified as a Variant of Uncertain Significance. Algorithms developed to predict the effect of missense changes on protein structure and function are either unavailable or do not agree on the potential impact of this missense change (SIFT: "Not Available"; PolyPhen-2: "Probably Damaging"; Align-GVGD: "Not Available"). ClinVar contains an entry for this variant (Variation ID: 950935). This variant has not been reported in the literature in individuals affected with NTHL1-related conditions. This variant is not present in population databases (gnomAD no frequency). This sequence change replaces leucine, which is neutral and non-polar, with proline, which is neutral and non-polar, at codon 133 of the NTHL1 protein (p.Leu133Pro).

Department of Pathology and Laboratory Medicine, Sinai Health System
Classification: Uncertain significance for Familial adenomatous polyposis 3. Last evaluated: 2021-07-30. Review status: criteria provided, single submitter. Criteria: ACMG Guidelines, 2015. Collection method: research. Allele origin: germline.